The following is an entry in ClinVar:

NM_015662.3(IFT172):c.332A>G (p.Gln111Arg)

Gene: IFT172 (intraflagellar transport 172; minus strand). Cytogenetic location: 2p23.3.
Variant type: single nucleotide variant.
Coding change: c.332A>G on transcript NM_015662.3 (MANE Select); coding-DNA position 332, A replaced by G.
Protein change: p.Gln111Arg; replaces glutamine 111 with arginine.
Molecular consequence: missense variant.
Genome position (GRCh38, 1-based): chr2:27,484,231, T>C on the plus strand (A>G on the coding strand, the complement: IFT172 is on the minus strand). VCF-style: chr2-27484231-T-C. GRCh37 (hg19) VCF-style: chr2-27707098-T-C.
Other names: c.332A>G, p.Gln111Arg (NM_001410739.1); short protein forms Q111R.
Identifiers: ClinVar variation 2076827 (VCV002076827.1), dbSNP rs1423053908, ClinGen allele CA346401790.

ClinVar aggregate classification (germline): Uncertain significance (1 of 4 stars; one submission).

Conditions:
Short-rib thoracic dysplasia 10 with or without polydactyly (SRTD10). Identifiers: Orphanet 474, MedGen C3810175, MONDO:0014284, OMIM 615630.
Retinitis pigmentosa 71 (RP71). Identifiers: Orphanet 791, MedGen C4225342, MONDO:0014618, OMIM 616394.

Allele frequency attached by ClinVar (database versions not stated): gnomAD exomes below 0.00001; TOPMed below 0.00001; gnomAD 0.00001.
gnomAD v4.1: 7 of 1,613,980 alleles (0.00043%); highest among the groups gnomAD compares: Non-Finnish European, 0.00042%; no homozygotes.

Submission:

Labcorp Genetics (formerly Invitae), Labcorp
Classification: Uncertain significance for Retinitis pigmentosa 71; Short-rib thoracic dysplasia 10 with or without polydactyly. Last evaluated: 2022-03-19. Review status: criteria provided, single submitter. Criteria: Invitae Variant Classification Sherloc (09022015). Collection method: clinical testing. Allele origin: germline.
Comment: This sequence change replaces glutamine, which is neutral and polar, with arginine, which is basic and polar, at codon 111 of the IFT172 protein (p.Gln111Arg). This variant is not present in population databases (gnomAD no frequency). This variant has not been reported in the literature in individuals affected with IFT172-related conditions. Algorithms developed to predict the effect of missense changes on protein structure and function are either unavailable or do not agree on the potential impact of this missense change (SIFT: "Deleterious"; PolyPhen-2: "Probably Damaging"; Align-GVGD: "Class C0"). In summary, the available evidence is currently insufficient to determine the role of this variant in disease. Therefore, it has been classified as a Variant of Uncertain Significance.